The following is an entry in ClinVar:

NM_032043.3(BRIP1):c.2579T>A (p.Leu860His)

Gene: BRIP1 (BRCA1 interacting DNA helicase 1; minus strand). Cytogenetic location: 17q23.2.
Variant type: single nucleotide variant.
Coding change: c.2579T>A on transcript NM_032043.3 (MANE Select); coding-DNA position 2579, T replaced by A.
Protein change: p.Leu860His; replaces leucine 860 with histidine.
Molecular consequence: missense variant.
Genome position (GRCh38, 1-based): chr17:61,686,162, A>T on the plus strand (T>A on the coding strand, the complement: BRIP1 is on the minus strand). VCF-style: chr17-61686162-A-T. GRCh37 (hg19) VCF-style: chr17-59763523-A-T.
Other names: short protein forms L860H.
Identifiers: ClinVar variation 1793342 (VCV001793342.2), dbSNP rs587780242, ClinGen allele CA400482011.

ClinVar aggregate classification (germline): Uncertain significance (1 of 4 stars; one submission).

Conditions:
Hereditary cancer-predisposing syndrome. Also called: Tumor predisposition; Hereditary Cancer Syndrome; Neoplastic Syndromes, Hereditary; Hereditary neoplastic syndrome. Identifiers: Orphanet 140162, MedGen C0027672, MeSH D009386, MONDO:0015356.

Submission:

Ambry Genetics
Classification: Uncertain significance for Hereditary cancer-predisposing syndrome. Last evaluated: 2020-09-08. Review status: criteria provided, single submitter. Criteria: Ambry Variant Classification Scheme 2023. Collection method: clinical testing. Allele origin: germline.
Comment: The p.L860H variant (also known as c.2579T>A), located in coding exon 18 of the BRIP1 gene, results from a T to A substitution at nucleotide position 2579. The leucine at codon 860 is replaced by histidine, an amino acid with similar properties. This amino acid position is highly conserved in available vertebrate species. In addition, this alteration is predicted to be deleterious by in silico analysis. Since supporting evidence is limited at this time, the clinical significance of this alteration remains unclear.